The following is an entry in ClinVar:

ClinVar aggregate classification (germline): Benign/Likely benign. Review status: criteria provided, multiple submitters, no conflicts (2 of 4 stars). 3 submissions from 3 submitters: Benign (1); Likely benign (1). 1 of the submissions does not count toward it. Last evaluated 2026-03-01.

Conditions:
Ulnar-mammary syndrome (UMS). Also called: Ulnar-mammary syndrome of Pallister; SCHINZEL SYNDROME; PALLISTER ULNAR-MAMMARY SYNDROME. Identifiers: Orphanet 3138, MedGen C1866994, MONDO:0008411, OMIM 181450.
TBX3-related disorder. Also called: TBX3-related condition.

Allele frequency attached by ClinVar (database versions not stated): gnomAD 0.00014 and 0.00015; TOPMed 0.00025; gnomAD exomes 0.00064; ExAC 0.00117.

Submissions (3):

CeGaT Center for Human Genetics Tuebingen
Classification: Likely benign. Last evaluated: 2026-03-01. Review status: criteria provided, single submitter. Criteria: CeGaT Center For Human Genetics Tuebingen Variant Classification Criteria Version 2. Collection method: clinical testing. Allele origin: germline. Affected: yes. Observed: 2 variant alleles.
Comment: TBX3: BS1

Labcorp Genetics (formerly Invitae), Labcorp
Classification: Benign for Ulnar-mammary syndrome. Last evaluated: 2026-01-21. Review status: criteria provided, single submitter. Criteria: Invitae Variant Classification Sherloc (09022015). Collection method: clinical testing. Allele origin: germline.

PreventionGenetics, part of Exact Sciences
Classification: Benign for TBX3-related condition. Last evaluated: 2021-07-09. Review status: no assertion criteria provided. Collection method: clinical testing. Allele origin: germline. Not counted in ClinVar's aggregate classification.
Comment: This variant is classified as benign based on ACMG/AMP sequence variant interpretation guidelines (Richards et al. 2015 PMID: 25741868, with internal and published modifications).

NM_005996.4(TBX3):c.1768G>A (p.Ala590Thr)

Gene: TBX3 (T-box transcription factor 3; minus strand). Cytogenetic location: 12q24.21.
Variant type: single nucleotide variant.
Coding change: c.1768G>A on transcript NM_005996.4 (MANE Select); coding-DNA position 1768, G replaced by A.
Protein change: p.Ala590Thr; replaces alanine 590 with threonine.
Molecular consequence: missense variant.
Genome position (GRCh38, 1-based): chr12:114,672,245, C>T on the plus strand (G>A on the coding strand, the complement: TBX3 is on the minus strand). VCF-style: chr12-114672245-C-T. GRCh37 (hg19) VCF-style: chr12-115110050-C-T.
Other names: c.1828G>A, p.Ala610Thr (NM_016569.4); c.1828G>A (NM_016569.3); short protein forms A610T, A590T.
Identifiers: ClinVar variation 767491 (VCV000767491.15), dbSNP rs751628989, ClinGen allele CA6809850.